The following is an entry in ClinVar:

ClinVar aggregate classification (germline): Likely pathogenic (1 of 4 stars; one submission).

Conditions:
Retinitis pigmentosa 3. Also called: CHOROIDORETINAL DEGENERATION WITH RETINAL REFLEX IN HETEROZYGOUS WOMEN. Identifiers: Orphanet 791, MedGen C1845667, MONDO:0010227, OMIM 300029.

Submission:

3billion
Classification: Likely pathogenic for Retinitis pigmentosa 3. Last evaluated: 2023-09-27. Review status: criteria provided, single submitter. Criteria: ACMG Guidelines, 2015. Collection method: clinical testing. Allele origin: germline. Affected: yes.
Comment: The variant is not observed in the gnomAD v2.1.1 dataset. Predicted Consequence/Location: Canonical splice site: predicted to alter splicing and result in a loss or disruption of normal protein function. Multiple pathogenic loss-of-function variants are reported downstream of the variant. Therefore, this variant is classified as Likely pathogenic according to the recommendation of ACMG/AMP guideline.

NM_001034853.2(RPGR):c.29-2A>C

Gene: RPGR (retinitis pigmentosa GTPase regulator; minus strand). Cytogenetic location: Xp11.4.
Variant type: single nucleotide variant.
Coding change: c.29-2A>C on transcript NM_001034853.2 (MANE Select); the canonical splice acceptor site of the intron before coding-DNA position 29, A replaced by C.
Molecular consequence: splice acceptor variant.
Genome position (GRCh38, 1-based): chrX:38,323,526, T>G on the plus strand (A>C on the coding strand, the complement: RPGR is on the minus strand). VCF-style: chrX-38323526-T-G. GRCh37 (hg19) VCF-style: chrX-38182779-T-G.
Other names: c.29-2A>C (NM_001367245.1, NM_001367251.1, NM_001367246.1 and 4 more transcripts); c.59-2A>C (NM_001367248.1).
Identifiers: ClinVar variation 3776109 (VCV003776109.1).